The following is an entry in ClinVar:

ClinVar aggregate classification (germline): Uncertain significance (1 of 4 stars; one submission).

gnomAD v4.1: 2 of 1,614,252 alleles (0.00012%); highest among the groups gnomAD compares: Non-Finnish European, 0.000085%; no homozygotes.

Submission:

Women's Health and Genetics/Laboratory Corporation of America, LabCorp
Classification: Uncertain significance. Last evaluated: 2024-10-09. Review status: criteria provided, single submitter. Criteria: LabCorp Variant Classification Summary - May 2015. Collection method: clinical testing. Allele origin: germline.
Comment: Variant summary: DUOX2 c.3607T>C (p.Tyr1203His) results in a conservative amino acid change located in the Ferric reductase transmembrane component-like domain (IPR013130) of the encoded protein sequence. Four of five in-silico tools predict a damaging effect of the variant on protein function. The variant allele was found at a frequency of 4e-06 in 251450 control chromosomes. The available data on variant occurrences in the general population are insufficient to allow any conclusion about variant significance. c.3607T>C has been reported in the literature in multiple heterozygous individuals from a family affected with familial nonmedullary thyroid cancer (FNMTC), showing autosomal dominant segregation with disease (e.g. Bann_2019). However, the association of this phenotype with the DUOX2 gene is not currently established. In another study attempting to establish the association of this variant with the FNMTC phenotype, the variant was absent from 33 unrelated families affected with FNMTC phenotype (e.g. Cirello_2021). These reports do not provide unequivocal conclusions about association of the variant with Thyroid Dyshormonogenesis 6. One publication reports experimental evidence evaluating an impact on protein function, showing the variant results in a functional enzyme in vitro, with slightly altered ROS production (e.g. Bann_2019). However, the role of these changes in the context of disease cannot currently be established. The following publications have been ascertained in the context of this evaluation (PMID: 31501191, 33488516). No submitters have cited clinical-significance assessments for this variant to ClinVar. Based on the evidence outlined above, the variant was classified as uncertain significance.

Literature cited by the submitters: PubMed 31501191; PubMed 33488516.

NM_001363711.2(DUOX2):c.3607T>C (p.Tyr1203His)

Gene: DUOX2 (dual oxidase 2; minus strand). Cytogenetic location: 15q21.1.
Variant type: single nucleotide variant.
Coding change: c.3607T>C on transcript NM_001363711.2 (MANE Select); coding-DNA position 3607, T replaced by C.
Protein change: p.Tyr1203His; replaces tyrosine 1203 with histidine.
Molecular consequence: missense variant.
Genome position (GRCh38, 1-based): chr15:45,097,700, A>G on the plus strand (T>C on the coding strand, the complement: DUOX2 is on the minus strand). VCF-style: chr15-45097700-A-G. GRCh37 (hg19) VCF-style: chr15-45389898-A-G.
Other names: c.3607T>C, p.Tyr1203His (NM_014080.5); short protein forms Y1203H.
Identifiers: ClinVar variation 3384818 (VCV003384818.1).